The following is an entry in ClinVar:

ClinVar aggregate classification (germline): Uncertain significance. Review status: criteria provided, multiple submitters, no conflicts (2 of 4 stars). 2 submissions from 2 submitters: Uncertain significance (2). Last evaluated 2024-08-10.

gnomAD v4.1: 11 of 1,614,004 alleles (0.00068%); highest among the groups gnomAD compares: East Asian, 0.025%; no homozygotes.

Submissions (2):

Ambry Genetics
Classification: Uncertain significance. Last evaluated: 2024-08-10. Review status: criteria provided, single submitter. Criteria: Ambry Variant Classification Scheme 2023. Collection method: clinical testing. Allele origin: germline.

Labcorp Genetics (formerly Invitae), Labcorp
Classification: Uncertain significance. Last evaluated: 2024-06-09. Review status: criteria provided, single submitter. Criteria: Invitae Variant Classification Sherloc (09022015). Collection method: clinical testing. Allele origin: germline.
Comment: This sequence change replaces valine, which is neutral and non-polar, with alanine, which is neutral and non-polar, at codon 1413 of the DSCAML1 protein (p.Val1413Ala). This variant is present in population databases (rs773630266, gnomAD 0.02%). This variant has not been reported in the literature in individuals affected with DSCAML1-related conditions. An algorithm developed to predict the effect of missense changes on protein structure and function (PolyPhen-2) suggests that this variant is likely to be disruptive. In summary, the available evidence is currently insufficient to determine the role of this variant in disease. Therefore, it has been classified as a Variant of Uncertain Significance.

NM_020693.4(DSCAML1):c.4058T>C (p.Val1353Ala)

Gene: DSCAML1 (DS cell adhesion molecule like 1; minus strand). Cytogenetic location: 11q23.3.
Variant type: single nucleotide variant.
Coding change: c.4058T>C on transcript NM_020693.4 (MANE Select); coding-DNA position 4058, T replaced by C.
Protein change: p.Val1353Ala; replaces valine 1353 with alanine.
Molecular consequence: missense variant.
Genome position (GRCh38, 1-based): chr11:117,439,352, A>G on the plus strand (T>C on the coding strand, the complement: DSCAML1 is on the minus strand). VCF-style: chr11-117439352-A-G. GRCh37 (hg19) VCF-style: chr11-117310068-A-G.
Other names: short protein forms V1353A.
Identifiers: ClinVar variation 3505356 (VCV003505356.3).
Genomic context (GRCh38, chr11:117,439,352, plus strand): 5'-GTGTCAAAGCCACCAGTGTTGGTGGCCGTGCACGTGTAGTAGCCAGAGTCCTCAGCCTTC[A>G]CTGCACGCAGCAGCAGTGTGCCATTGGTGTGGATGAGCCGGTGCCCATCCATGGACACTG-3'
Protein context (NP_065744.3, residues 1343-1363): HTNGTLLLRA[Val1353Ala]KAEDSGYYTC